The following is an entry in ClinVar:

NM_032578.4(MYPN):c.502C>G (p.His168Asp)

Gene: MYPN (myopalladin; plus strand). Cytogenetic location: 10q21.3.
Variant type: single nucleotide variant.
Coding change: c.502C>G on transcript NM_032578.4 (MANE Select); coding-DNA position 502, C replaced by G.
Protein change: p.His168Asp; replaces histidine 168 with aspartic acid.
Molecular consequence: missense variant. On other transcripts: 5 prime UTR variant (1), non-coding transcript variant (1).
Genome position (GRCh38, 1-based): chr10:68,121,940, C>G. VCF-style: chr10-68121940-C-G. GRCh37 (hg19) VCF-style: chr10-69881697-C-G.
Other names: c.502C>G, p.His168Asp (NM_001256267.2); c.-621C>G (NM_001256268.2); short protein forms H168D.
Identifiers: ClinVar variation 1040834 (VCV001040834.9), dbSNP rs1369595385, ClinGen allele CA377104494.

ClinVar aggregate classification (germline): Uncertain significance (1 of 4 stars; one submission).

Conditions:
Dilated cardiomyopathy 1KK (CMD1KK). Identifiers: Orphanet 154, Orphanet 75249, MedGen C3714995, MONDO:0014100, OMIM 615248.

Submission:

Labcorp Genetics (formerly Invitae), Labcorp
Classification: Uncertain significance for Dilated cardiomyopathy 1KK. Last evaluated: 2020-01-24. Review status: criteria provided, single submitter. Criteria: Invitae Variant Classification Sherloc (09022015). Collection method: clinical testing. Allele origin: germline.
Comment: This sequence change replaces histidine with aspartic acid at codon 168 of the MYPN protein (p.His168Asp). The histidine residue is moderately conserved and there is a moderate physicochemical difference between histidine and aspartic acid. This variant is not present in population databases (ExAC no frequency). This variant has not been reported in the literature in individuals with MYPN-related conditions. Algorithms developed to predict the effect of missense changes on protein structure and function are either unavailable or do not agree on the potential impact of this missense change (SIFT: "Tolerated"; PolyPhen-2: "Probably Damaging"; Align-GVGD: "Class C0"). In summary, the available evidence is currently insufficient to determine the role of this variant in disease. Therefore, it has been classified as a Variant of Uncertain Significance.